The following is an entry in ClinVar:

NM_003072.5(SMARCA4):c.3952-1G>A

Gene: SMARCA4 (SWI/SNF related BAF chromatin remodeling complex subunit ATPase 4; plus strand). Cytogenetic location: 19p13.2.
Variant type: single nucleotide variant.
Coding change: c.3952-1G>A on transcript NM_003072.5 (MANE Select); the canonical splice acceptor site of the intron before coding-DNA position 3952, G replaced by A.
Molecular consequence: splice acceptor variant.
Genome position (GRCh38, 1-based): chr19:11,034,913, G>A. VCF-style: chr19-11034913-G-A. GRCh37 (hg19) VCF-style: chr19-11145589-G-A.
Other names: c.3952-1G>A (NM_001128844.3, NM_001128849.3, NM_001387283.1); c.3853-1G>A (NM_001128847.4, NM_001411150.1, NM_001374457.1 and 3 more transcripts).
Identifiers: ClinVar variation 945624 (VCV000945624.9), dbSNP rs1600405252, ClinGen allele CA404067976.

ClinVar aggregate classification (germline): Likely pathogenic. Review status: criteria provided, multiple submitters, no conflicts (2 of 4 stars). 2 submissions from 2 submitters: Likely pathogenic (2). Last evaluated 2024-05-29.

Conditions:
Hereditary cancer-predisposing syndrome. Also called: Neoplastic Syndromes, Hereditary; Hereditary Cancer Syndrome; Tumor predisposition; Hereditary neoplastic syndrome. Identifiers: Orphanet 140162, MedGen C0027672, MeSH D009386, MONDO:0015356.
Rhabdoid tumor predisposition syndrome 2 (RTPS2). Identifiers: Orphanet 231108, Orphanet 69077, MedGen C2750074, MONDO:0013224, OMIM 613325.

Submissions (2):

Ambry Genetics
Classification: Likely pathogenic for Hereditary cancer-predisposing syndrome. Last evaluated: 2024-05-29. Review status: criteria provided, single submitter. Criteria: Ambry Variant Classification Scheme 2023. Collection method: clinical testing. Allele origin: germline.
Comment: The c.3952-1G>A intronic variant results from a G to A substitution one nucleotide upstream from coding exon 28 of the SMARCA4 gene. This variant is considered to be rare based on population cohorts in the Genome Aggregation Database (gnomAD). This nucleotide position is highly conserved in available vertebrate species. In silico splice site analysis predicts that this alteration will weaken the native splice acceptor site and will result in the creation or strengthening of a novel splice acceptor site. Alterations that disrupt the canonical splice site are expected to cause aberrant splicing, resulting in an abnormal protein or a transcript that is subject to nonsense-mediated mRNA decay. Loss-of-function variants in SMARCA4 are known to cause rhabdoid tumor predisposition syndrome including small cell carcinoma of the ovary-hypercalcemic type (SCCOHT); however, such associations with neurodevelopmental disorders are exceedingly rare (Kosho T et al. Am J Med Genet C Semin Med Genet. 2014 Sep;166C(3):262-75; Jelinic P et al. Nat Genet. 2014 May;46(5):424-6). Based on the supporting evidence, this alteration is likely pathogenic for rhabdoid tumor predisposition syndrome; however, the association of this alteration with Coffin-Siris syndrome is unlikely.

Labcorp Genetics (formerly Invitae), Labcorp
Classification: Likely pathogenic for Rhabdoid tumor predisposition syndrome 2. Last evaluated: 2019-08-13. Review status: criteria provided, single submitter. Criteria: Invitae Variant Classification Sherloc (09022015). Collection method: clinical testing. Allele origin: germline.
Comment: Donor and acceptor splice site variants typically lead to a loss of protein function (PMID: 16199547), and loss-of-function variants in SMARCA4 are known to be pathogenic (PMID: 24658001, 24658002). In summary, the currently available evidence indicates that the variant is pathogenic, but additional data are needed to prove that conclusively. Therefore, this variant has been classified as Likely Pathogenic. Algorithms developed to predict the effect of sequence changes on RNA splicing suggest that this variant may disrupt the consensus splice site, but this prediction has not been confirmed by published transcriptional studies. This variant has not been reported in the literature in individuals with SMARCA4-related conditions. This variant is not present in population databases (ExAC no frequency). This sequence change affects an acceptor splice site in intron 28 of the SMARCA4 gene. It is expected to disrupt RNA splicing and likely results in an absent or disrupted protein product.

Literature cited by the submitters: PubMed 16199547 (cited by Labcorp Genetics (formerly Invitae), Labcorp); PubMed 24658001 (cited by Labcorp Genetics (formerly Invitae), Labcorp); PubMed 24658002 (cited by Labcorp Genetics (formerly Invitae), Labcorp).